The following is an entry in ClinVar:

NM_007208.4(MRPL3):c.369+192C>G

Gene: MRPL3 (mitochondrial ribosomal protein L3; minus strand). Cytogenetic location: 3q22.1.
Variant type: single nucleotide variant.
Coding change: c.369+192C>G on transcript NM_007208.4 (MANE Select); 192 bases into the intron after coding-DNA position 369, C replaced by G.
Molecular consequence: intron variant.
Genome position (GRCh38, 1-based): chr3:131,500,238, G>C on the plus strand (C>G on the coding strand, the complement: MRPL3 is on the minus strand). VCF-style: chr3-131500238-G-C. GRCh37 (hg19) VCF-style: chr3-131219082-G-C.
Identifiers: ClinVar variation 679100 (VCV000679100.1), dbSNP rs77103341, ClinGen allele CA83516162.

ClinVar aggregate classification (germline): Benign (1 of 4 stars; one submission).

Allele frequency attached by ClinVar (database versions not stated): gnomAD 0.02535 and 0.02735; 1000 Genomes Project 0.02835; TOPMed 0.02866; 1000 Genomes Project 30x 0.03123.
gnomAD v4.1: 3,829 of 152,228 alleles (2.5%); highest among the groups gnomAD compares: African/African-American, 8.7%; 145 homozygotes.

Submission:

GeneDx
Classification: Benign. Last evaluated: 2018-06-14. Review status: criteria provided, single submitter. Criteria: GeneDx Variant Classification (06012015). Collection method: clinical testing. Allele origin: germline. Affected: yes.
Comment: This variant is considered likely benign or benign based on one or more of the following criteria: it is a conservative change, it occurs at a poorly conserved position in the protein, it is predicted to be benign by multiple in silico algorithms, and/or has population frequency not consistent with disease.